The following is an entry in ClinVar:

NM_001042492.3(NF1):c.1117G>A (p.Val373Met)

Gene: NF1 (neurofibromin 1; plus strand). Cytogenetic location: 17q11.2.
Variant type: single nucleotide variant.
Coding change: c.1117G>A on transcript NM_001042492.3 (MANE Select); coding-DNA position 1117, G replaced by A.
Protein change: p.Val373Met; replaces valine 373 with methionine.
Molecular consequence: missense variant.
Genome position (GRCh38, 1-based): chr17:31,201,091, G>A. VCF-style: chr17-31201091-G-A. GRCh37 (hg19) VCF-style: chr17-29528109-G-A.
Other names: c.1117G>A, p.Val373Met (NM_000267.4, NM_001128147.3); short protein forms V373M.
Identifiers: ClinVar variation 2155755 (VCV002155755.5), dbSNP rs2143879327, ClinGen allele CA398996945.

ClinVar aggregate classification (germline): Uncertain significance. Review status: criteria provided, multiple submitters, no conflicts (2 of 4 stars). 2 submissions from 2 submitters: Uncertain significance (2). Last evaluated 2022-11-09.

Conditions:
Neurofibromatosis, type 1 (NF1). Also called: Neurofibromatosis, type I; VON RECKLINGHAUSEN DISEASE; NEUROFIBROMATOSIS, TYPE I, SOMATIC; Peripheral type neurofibromatosis. Identifiers: Orphanet 636, MedGen C0027831, MONDO:0018975, OMIM 162200. Disease mechanism: loss of function.

Submissions (2):

GeneDx
Classification: Uncertain significance. Last evaluated: 2022-11-09. Review status: criteria provided, single submitter. Criteria: GeneDx Variant Classification Process June 2021. Collection method: clinical testing. Allele origin: germline. Affected: yes.
Comment: Not observed at significant frequency in large population cohorts (gnomAD); In silico analysis supports that this missense variant does not alter protein structure/function; Has not been previously published as pathogenic or benign to our knowledge

Labcorp Genetics (formerly Invitae), Labcorp
Classification: Uncertain significance for Neurofibromatosis, type 1. Last evaluated: 2022-03-27. Review status: criteria provided, single submitter. Criteria: Invitae Variant Classification Sherloc (09022015). Collection method: clinical testing. Allele origin: germline.
Comment: This sequence change replaces valine, which is neutral and non-polar, with methionine, which is neutral and non-polar, at codon 373 of the NF1 protein (p.Val373Met). This variant is not present in population databases (gnomAD no frequency). This variant has not been reported in the literature in individuals affected with NF1-related conditions. Advanced modeling of protein sequence and biophysical properties (such as structural, functional, and spatial information, amino acid conservation, physicochemical variation, residue mobility, and thermodynamic stability) performed at Invitae indicates that this missense variant is not expected to disrupt NF1 protein function. In summary, the available evidence is currently insufficient to determine the role of this variant in disease. Therefore, it has been classified as a Variant of Uncertain Significance.